The following is an entry in ClinVar:

ClinVar aggregate classification (germline): Uncertain significance (1 of 4 stars; one submission).

Conditions:
Hereditary cancer-predisposing syndrome. Also called: Neoplastic Syndromes, Hereditary; Tumor predisposition; Hereditary Cancer Syndrome; Hereditary neoplastic syndrome. Identifiers: Orphanet 140162, MedGen C0027672, MeSH D009386, MONDO:0015356.

Submission:

Ambry Genetics
Classification: Uncertain significance for Hereditary cancer-predisposing syndrome. Last evaluated: 2024-06-29. Review status: criteria provided, single submitter. Criteria: Ambry Variant Classification Scheme 2023. Collection method: clinical testing. Allele origin: germline.
Comment: The p.E693V variant (also known as c.2078A>T), located in coding exon 12 of the PMS2 gene, results from an A to T substitution at nucleotide position 2078. The glutamic acid at codon 693 is replaced by valine, an amino acid with dissimilar properties. This amino acid position is conserved. In addition, this alteration is predicted to be tolerated by in silico analysis. Based on the available evidence, the clinical significance of this variant remains unclear.

NM_000535.7(PMS2):c.2078A>T (p.Glu693Val)

Gene: PMS2 (PMS1 homolog 2, mismatch repair system component; minus strand). Cytogenetic location: 7p22.1.
Variant type: single nucleotide variant.
Coding change: c.2078A>T on transcript NM_000535.7 (MANE Select); coding-DNA position 2078, A replaced by T.
Protein change: p.Glu693Val; replaces glutamic acid 693 with valine.
Molecular consequence: missense variant. On other transcripts: non-coding transcript variant (1), intron variant (4).
Genome position (GRCh38, 1-based): chr7:5,982,920, T>A on the plus strand (A>T on the coding strand, the complement: PMS2 is on the minus strand). VCF-style: chr7-5982920-T-A. GRCh37 (hg19) VCF-style: chr7-6022551-T-A.
Other names: c.1673A>T, p.Glu558Val (NM_001322003.2, NM_001322004.2, NM_001322005.2 and 14 more transcripts); c.1922A>T, p.Glu641Val (NM_001322006.2, NM_001406870.1); c.1760A>T, p.Glu587Val (NM_001322007.2, NM_001322008.2, NM_001406876.1 and 1 more transcripts); c.1517A>T, p.Glu506Val (NM_001322010.2, NM_001406906.1, NM_001406907.1); c.1145A>T, p.Glu382Val (NM_001322011.2, NM_001322012.2); c.1505A>T, p.Glu502Val (NM_001322013.2, NM_001406909.1); c.2078A>T, p.Glu693Val (NM_001322014.2, NM_001406871.1); c.1769A>T, p.Glu590Val (NM_001322015.2, NM_001406875.1, NM_001406877.1 and 5 more transcripts); and 16 more; short protein forms E382V, E436V, E502V, E506V, E522V, E558V, E637V, E701V.
Identifiers: ClinVar variation 3421468 (VCV003421468.1).
Genomic context (GRCh38, chr7:5,982,920, plus strand): 5'-TGCAGCATCTCGAAGTTATACTTCTCGTCCGTGGCATGCTGGTCCACTATGAAGATATCC[T>A]CATTCAGTTTGGTTATTATAAATCCCAGGTTAAACTGACCAATGATTTCCATTTCTGCAA-3'
Protein context (NP_000526.2, residues 683-703): NLGFIITKLN[Glu693Val]DIFIVDQHAT